The following is an entry in ClinVar:

ClinVar aggregate classification (germline): Uncertain significance (1 of 4 stars; one submission).

Conditions:
Hereditary cancer-predisposing syndrome. Also called: Tumor predisposition; Hereditary Cancer Syndrome; Neoplastic Syndromes, Hereditary; Hereditary neoplastic syndrome. Identifiers: Orphanet 140162, MedGen C0027672, MeSH D009386, MONDO:0015356.

Submission:

Color Diagnostics, LLC DBA Color Health
Classification: Uncertain significance for Hereditary cancer-predisposing syndrome. Last evaluated: 2024-03-07. Review status: criteria provided, single submitter. Criteria: ACMG Guidelines, 2015. Collection method: clinical testing. Allele origin: germline.
Comment: This missense variant replaces aspartic acid with alanine at codon 3 of the BARD1 protein. Computational prediction suggests that this variant may not impact protein structure and function (internally defined REVEL score threshold <= 0.5, PMID: 27666373). To our knowledge, functional studies have not been reported for this variant. This variant has not been reported in individuals affected with hereditary cancer in the literature. This variant has not been identified in the general population by the Genome Aggregation Database (gnomAD). The available evidence is insufficient to determine the role of this variant in disease conclusively. Therefore, this variant is classified as a Variant of Uncertain Significance.

NM_000465.4(BARD1):c.8A>C (p.Asp3Ala)

Gene: BARD1 (BRCA1 associated RING domain 1; minus strand). Cytogenetic location: 2q35.
Variant type: single nucleotide variant.
Coding change: c.8A>C on transcript NM_000465.4 (MANE Select); coding-DNA position 8, A replaced by C.
Protein change: p.Asp3Ala; replaces aspartic acid 3 with alanine.
Molecular consequence: missense variant. On other transcripts: non-coding transcript variant (3).
Genome position (GRCh38, 1-based): chr2:214,809,562, T>G on the plus strand (A>C on the coding strand, the complement: BARD1 is on the minus strand). VCF-style: chr2-214809562-T-G. GRCh37 (hg19) VCF-style: chr2-215674286-T-G.
Other names: c.8A>C, p.Asp3Ala (NM_001282543.2, NM_001282545.2, NM_001282548.2 and 1 more transcripts); short protein forms D3A.
Identifiers: ClinVar variation 1331938 (VCV001331938.3), dbSNP rs2106172126, ClinGen allele CA350465507.